The following is an entry in ClinVar:

NM_000518.5(HBB):c.127T>C (p.Phe43Leu)

Genes: HBB (hemoglobin subunit beta; minus strand), LOC106099062 (HBB recombination region; plus strand), LOC107133510 (origin of replication at HBB; plus strand). Cytogenetic location: 11p15.4.
Variant type: single nucleotide variant.
Coding change: c.127T>C on transcript NM_000518.5 (MANE Select); coding-DNA position 127, T replaced by C.
Protein change: p.Phe43Leu; replaces phenylalanine 43 with leucine.
Molecular consequence: missense variant.
Genome position (GRCh38, 1-based): chr11:5,226,765, A>G on the plus strand (T>C on the coding strand, the complement: HBB is on the minus strand). VCF-style: chr11-5226765-A-G. GRCh37 (hg19) VCF-style: chr11-5247995-A-G.
Other names: F42L; Hemoglobin Louisville; Hemoglobin Bucuresti; short protein forms F43L.
Identifiers: ClinVar variation 15251 (VCV000015251.1), dbSNP rs33924146, ClinGen allele CA125001.

ClinVar aggregate classification (germline): Likely pathogenic. Review status: criteria provided, single submitter (1 of 4 stars). 2 submissions from 2 submitters: Likely pathogenic (1). 1 of the submissions does not count toward it. Last evaluated 2025-05-30.

Conditions:
beta Thalassemia (BTHAL). Also called: Cooley's anemia; Erythroblastic anemia; Mediterranean anemia. Identifiers: Orphanet 848, MedGen C0005283, MONDO:0019402. Disease mechanism: loss of function.
Hemolytic anemia. Identifiers: MedGen C0002878, MONDO:0003664, HP:0001878.

Submissions (2):

Natera, Inc.
Classification: Likely pathogenic for Beta thalassemia. Last evaluated: 2025-05-30. Review status: criteria provided, single submitter. Criteria: Natera Variant Classification Schema (03/2026). Collection method: clinical testing. Allele origin: germline.
Comment: The c.127T>C variant in HBB is a missense variant predicted to cause substitution of phenylalanine to leucine at amino acid 43. This variant is rare in the general population with a frequency below the threshold expected for the associated phenotype(s). This variant has been observed in one or more individuals affected with the associated recessive disease, as either homozygous or compound heterozygous with a second variant (PMID: 27670359). A different variant at the same position has been determined to be Pathogenic or Likely Pathogenic. Computational prediction algorithms indicate this variant is likely to affect gene or protein function. Given the available evidence, this variant is classified as Likely Pathogenic.

OMIM
Classification: Pathogenic for HEMOGLOBIN LOUISVILLE. Last evaluated: 1989-01-01. Review status: no assertion criteria provided. Collection method: literature only. Allele origin: germline. Not counted in ClinVar's aggregate classification.

Literature cited by the submitters: PubMed 27670359 (cited by Natera, Inc.); PubMed 5096522 (cited by OMIM); PubMed 5133275 (cited by OMIM); PubMed 2705488 (cited by OMIM).